The following is an entry in ClinVar:

NM_001110556.2(FLNA):c.6779G>A (p.Ser2260Asn)

Gene: FLNA (filamin A; minus strand). Cytogenetic location: Xq28.
Variant type: single nucleotide variant.
Coding change: c.6779G>A on transcript NM_001110556.2 (MANE Select); coding-DNA position 6779, G replaced by A.
Protein change: p.Ser2260Asn; replaces serine 2260 with asparagine.
Molecular consequence: missense variant.
Genome position (GRCh38, 1-based): chrX:154,352,012, C>T on the plus strand (G>A on the coding strand, the complement: FLNA is on the minus strand). VCF-style: chrX-154352012-C-T. GRCh37 (hg19) VCF-style: chrX-153580380-C-T.
Other names: c.6755G>A, p.Ser2252Asn (NM_001456.4); short protein forms S2252N, S2260N.
Identifiers: ClinVar variation 1992843 (VCV001992843.4), dbSNP rs2522719790, ClinGen allele CA415187080.

ClinVar aggregate classification (germline): Uncertain significance (1 of 4 stars; one submission).

Conditions:
Oto-palato-digital syndrome, type II (OPD2). Also called: FACIOPALATOOSSEOUS SYNDROME; OPD II SYNDROME; Otopalatodigital Syndrome Type 2 (FLNA-OPD2); Otopalatodigital Syndrome, Type II. Identifiers: Orphanet 669, Orphanet 90652, MedGen C1844696, MONDO:0010571, OMIM 304120.
Melnick-Needles syndrome (MNS). Also called: MELNICK-NEEDLES OSTEODYSPLASTY; OSTEODYSPLASTY OF MELNICK AND NEEDLES; Melnick-Needles Syndrome (FLNA-MNS). Identifiers: Orphanet 2484, MedGen C0025237, MONDO:0010650, OMIM 309350.
Frontometaphyseal dysplasia (FMD1). Identifiers: Orphanet 1826, MedGen C0265293, MONDO:0015942.
Heterotopia, periventricular, X-linked dominant (PVNH1). Also called: PERIVENTRICULAR NODULAR HETEROTOPIA 1; X-linked periventricular heterotopia; PERIVENTRICULAR NODULAR HETEROTOPIA 4; HETEROTOPIA, PERIVENTRICULAR, 1. Identifiers: Orphanet 2149, Orphanet 82004, MedGen C1848213, MONDO:0010233, OMIM 300049.

Submission:

Labcorp Genetics (formerly Invitae), Labcorp
Classification: Uncertain significance for Oto-palato-digital syndrome, type II; Heterotopia, periventricular, X-linked dominant; Frontometaphyseal dysplasia; Melnick-Needles syndrome. Last evaluated: 2022-05-10. Review status: criteria provided, single submitter. Criteria: Invitae Variant Classification Sherloc (09022015). Collection method: clinical testing. Allele origin: germline.
Comment: Advanced modeling of protein sequence and biophysical properties (such as structural, functional, and spatial information, amino acid conservation, physicochemical variation, residue mobility, and thermodynamic stability) performed at Invitae indicates that this missense variant is not expected to disrupt FLNA protein function. This sequence change replaces serine, which is neutral and polar, with asparagine, which is neutral and polar, at codon 2252 of the FLNA protein (p.Ser2252Asn). This variant is not present in population databases (gnomAD no frequency). This variant has not been reported in the literature in individuals affected with FLNA-related conditions. In summary, the available evidence is currently insufficient to determine the role of this variant in disease. Therefore, it has been classified as a Variant of Uncertain Significance.